The following is an entry in ClinVar:

NM_001204077.2(UBE4A):c.1486C>T (p.Gln496Ter)

Gene: UBE4A (ubiquitination factor E4A; plus strand). Cytogenetic location: 11q23.3.
Variant type: single nucleotide variant.
Coding change: c.1486C>T on transcript NM_001204077.2 (MANE Select); coding-DNA position 1486, C replaced by T.
Protein change: p.Gln496Ter; replaces glutamine 496 with a stop codon.
Molecular consequence: nonsense.
Genome position (GRCh38, 1-based): chr11:118,376,609, C>T. VCF-style: chr11-118376609-C-T. GRCh37 (hg19) VCF-style: chr11-118247324-C-T.
Other names: c.1507C>T, p.Gln503Ter (NM_004788.4); short protein forms Q496*, Q503*.
Identifiers: ClinVar variation 4850152 (VCV004850152.1).

ClinVar aggregate classification (germline): Likely pathogenic (1 of 4 stars; one submission).

Conditions:
Neurodevelopmental disorder with hypotonia and gross motor and speech delay. Identifiers: MedGen C5562031, MONDO:0859207, OMIM 619639.

gnomAD v4.1: 1 of 1,613,574 alleles (0.000062%); highest among the groups gnomAD compares: Non-Finnish European, 0.000085%; no homozygotes.

Submission:

Variantyx, Inc.
Classification: Likely pathogenic for Neurodevelopmental disorder with hypotonia and gross motor and speech delay. Last evaluated: 2025-10-07. Review status: criteria provided, single submitter. Criteria: Variantyx Assertion Criteria 2022. Collection method: clinical testing. Allele origin: germline. Inheritance: Autosomal recessive inheritance. Affected: no.
Comment: This is a nonsense variant in the UBE4A gene (OMIM: 603753). Pathogenic variants in this gene have been associated with autosomal recessive neurodevelopmental disorder with hypotonia and gross motor and speech delay. This variant introduces a premature termination codon in exon 10 out of 20 and is expected to result in loss of function, which is a known disease mechanism for UBE4A in this disorder (PMID: 33420346) (PVS1). The alteration has a 0.0001% maximum allele frequency in non-founder control populations (PM2). Based on the current evidence, this variant is classified as likely pathogenic for autosomal recessive neurodevelopmental disorder with hypotonia and gross motor and speech delay.

Literature cited by the submitters: PubMed 33420346.